The following is an entry in ClinVar:

NM_014413.4(EIF2AK1):c.1448-8A>T

Gene: EIF2AK1 (eukaryotic translation initiation factor 2 alpha kinase 1; minus strand). Cytogenetic location: 7p22.1.
Variant type: single nucleotide variant.
Coding change: c.1448-8A>T on transcript NM_014413.4 (MANE Select); 8 bases into the intron before coding-DNA position 1448, A replaced by T.
Molecular consequence: intron variant.
Genome position (GRCh38, 1-based): chr7:6,028,705, T>A on the plus strand (A>T on the coding strand, the complement: EIF2AK1 is on the minus strand). VCF-style: chr7-6028705-T-A. GRCh37 (hg19) VCF-style: chr7-6068336-T-A.
Other names: c.1445-8A>T (NM_001134335.2); c.1448-8A>T (NM_014413.3).
Identifiers: ClinVar variation 2071972 (VCV002071972.5), dbSNP rs182474233, ClinGen allele CA4150736.

ClinVar aggregate classification (germline): Likely benign. Review status: criteria provided, multiple submitters, no conflicts (2 of 4 stars). 2 submissions from 2 submitters: Likely benign (2). Last evaluated 2025-11-11.

Conditions:
EIF2AK1-related disorder. Also called: EIF2AK1-related condition.

Allele frequency attached by ClinVar (database versions not stated): ESP Exome Variant Server 0.00015; TOPMed 0.00054; gnomAD 0.00055; 1000 Genomes Project 0.00080; 1000 Genomes Project 30x 0.00094; ExAC 0.00096.
gnomAD v4.1: 1,426 of 1,613,844 alleles (0.088%); highest among the groups gnomAD compares: Non-Finnish European, 0.11%; 3 homozygotes.

Submissions (2):

Labcorp Genetics (formerly Invitae), Labcorp
Classification: Likely benign. Last evaluated: 2025-11-11. Review status: criteria provided, single submitter. Criteria: Invitae Variant Classification Sherloc (09022015). Collection method: clinical testing. Allele origin: germline.

PreventionGenetics, part of Exact Sciences
Classification: Likely benign for EIF2AK1-related condition. Last evaluated: 2025-09-10. Review status: criteria provided, single submitter. Criteria: ACMG Guidelines, 2015. Collection method: clinical testing. Allele origin: germline.
Comment: This variant is classified as likely benign based on ACMG/AMP sequence variant interpretation guidelines (Richards et al. 2015 PMID: 25741868, with internal and published modifications).